The following is an entry in ClinVar:

NM_006885.4(ZFHX3):c.8432A>T (p.Glu2811Val)

Genes: ZFHX3 (zinc finger homeobox 3; minus strand), ZFHX3-AS1 (ZFHX3 antisense RNA 1; plus strand). Cytogenetic location: 16q22.2.
Variant type: single nucleotide variant.
Coding change: c.8432A>T on transcript NM_006885.4 (MANE Select); coding-DNA position 8432, A replaced by T.
Protein change: p.Glu2811Val; replaces glutamic acid 2811 with valine.
Molecular consequence: missense variant.
Genome position (GRCh38, 1-based): chr16:72,794,250, T>A on the plus strand (A>T on the coding strand, the complement: ZFHX3 is on the minus strand). VCF-style: chr16-72794250-T-A. GRCh37 (hg19) VCF-style: chr16-72828149-T-A.
Other names: c.5690A>T, p.Glu1897Val (NM_001164766.2); c.8432A>T, p.Glu2811Val (NM_001386735.1); short protein forms E1897V, E2811V.
Identifiers: ClinVar variation 3357331 (VCV003357331.2).

ClinVar aggregate classification (germline): Uncertain significance. Review status: criteria provided, single submitter (1 of 4 stars). 2 submissions from 2 submitters: Uncertain significance (1). 1 of the submissions does not count toward it. Last evaluated 2024-12-03.

Conditions:
ZFHX3-related disorder. Also called: ZFHX3-related condition.

Submissions (2):

Ambry Genetics
Classification: Uncertain significance. Last evaluated: 2024-12-03. Review status: criteria provided, single submitter. Criteria: Ambry Variant Classification Scheme 2023. Collection method: clinical testing. Allele origin: germline.

PreventionGenetics, part of Exact Sciences
Classification: Uncertain significance for ZFHX3-related condition. Last evaluated: 2024-08-21. Review status: no assertion criteria provided. Collection method: clinical testing. Allele origin: germline. Not counted in ClinVar's aggregate classification.
Comment: The ZFHX3 c.8432A>T variant is predicted to result in the amino acid substitution p.Glu2811Val. To our knowledge, this variant has not been reported in the literature or in a large population database, indicating this variant is rare. At this time, the clinical significance of this variant is uncertain due to the absence of conclusive functional and genetic evidence.